The following is an entry in ClinVar:

ClinVar aggregate classification (germline): Uncertain significance (1 of 4 stars; one submission).

Allele frequency attached by ClinVar (database versions not stated): gnomAD exomes below 0.00001.
gnomAD v4.1: 4 of 1,614,158 alleles (0.00025%); highest among the groups gnomAD compares: Middle Eastern, 0.033%; no homozygotes.

Submission:

Labcorp Genetics (formerly Invitae), Labcorp
Classification: Uncertain significance. Last evaluated: 2022-06-13. Review status: criteria provided, single submitter. Criteria: Invitae Variant Classification Sherloc (09022015). Collection method: clinical testing. Allele origin: germline.
Comment: Algorithms developed to predict the effect of missense changes on protein structure and function are either unavailable or do not agree on the potential impact of this missense change (SIFT: "Tolerated"; PolyPhen-2: "Not Available"; Align-GVGD: "Class C0"). In summary, the available evidence is currently insufficient to determine the role of this variant in disease. Therefore, it has been classified as a Variant of Uncertain Significance. This variant has not been reported in the literature in individuals affected with ZMIZ1-related conditions. This variant is present in population databases (no rsID available, gnomAD 0.005%). This sequence change replaces aspartic acid, which is acidic and polar, with asparagine, which is neutral and polar, at codon 1051 of the ZMIZ1 protein (p.Asp1051Asn).

NM_020338.4(ZMIZ1):c.3151G>A (p.Asp1051Asn)

Gene: ZMIZ1 (zinc finger MIZ-type containing 1; plus strand). Cytogenetic location: 10q22.3.
Variant type: single nucleotide variant.
Coding change: c.3151G>A on transcript NM_020338.4 (MANE Select); coding-DNA position 3151, G replaced by A.
Protein change: p.Asp1051Asn; replaces aspartic acid 1051 with asparagine.
Molecular consequence: missense variant.
Genome position (GRCh38, 1-based): chr10:79,312,696, G>A. VCF-style: chr10-79312696-G-A. GRCh37 (hg19) VCF-style: chr10-81072453-G-A.
Other names: short protein forms D1051N.
Identifiers: ClinVar variation 2005431 (VCV002005431.3), dbSNP rs1022400859, ClinGen allele CA210228614.